The following is an entry in ClinVar:

NM_003482.4(KMT2D):c.10150A>G (p.Thr3384Ala)

Gene: KMT2D (lysine methyltransferase 2D; minus strand). Cytogenetic location: 12q13.12.
Variant type: single nucleotide variant.
Coding change: c.10150A>G on transcript NM_003482.4 (MANE Select); coding-DNA position 10150, A replaced by G.
Protein change: p.Thr3384Ala; replaces threonine 3384 with alanine.
Molecular consequence: missense variant.
Genome position (GRCh38, 1-based): chr12:49,037,206, T>C on the plus strand (A>G on the coding strand, the complement: KMT2D is on the minus strand). VCF-style: chr12-49037206-T-C. GRCh37 (hg19) VCF-style: chr12-49430989-T-C.
Other names: short protein forms T3384A.
Identifiers: ClinVar variation 4801214 (VCV004801214.1).

ClinVar aggregate classification (germline): Uncertain significance (1 of 4 stars; one submission).

Conditions:
Kabuki syndrome. Also called: NIIKAWA-KUROKI SYNDROME; Kabuki make-up syndrome. Identifiers: Orphanet 2322, MedGen C0796004, MONDO:0016512.

gnomAD v4.1: 1 of 1,610,672 alleles (0.000062%); highest among the groups gnomAD compares: Non-Finnish European, 0.000085%; no homozygotes.

Submission:

Labcorp Genetics (formerly Invitae), Labcorp
Classification: Uncertain significance for Kabuki syndrome. Last evaluated: 2025-06-09. Review status: criteria provided, single submitter. Criteria: Invitae Variant Classification Sherloc (09022015). Collection method: clinical testing. Allele origin: germline.
Comment: This sequence change replaces threonine, which is neutral and polar, with alanine, which is neutral and non-polar, at codon 3384 of the KMT2D protein (p.Thr3384Ala). This variant is not present in population databases (gnomAD no frequency). This variant has not been reported in the literature in individuals affected with KMT2D-related conditions. Invitae Evidence Modeling of protein sequence and biophysical properties (such as structural, functional, and spatial information, amino acid conservation, physicochemical variation, residue mobility, and thermodynamic stability) indicates that this missense variant is not expected to disrupt KMT2D protein function with a negative predictive value of 95%. In summary, the available evidence is currently insufficient to determine the role of this variant in disease. Therefore, it has been classified as a Variant of Uncertain Significance.